The following is an entry in ClinVar:

NM_001288705.3(CSF1R):c.1645C>T (p.Arg549Cys)

Gene: CSF1R (colony stimulating factor 1 receptor; minus strand). Cytogenetic location: 5q32.
Variant type: single nucleotide variant.
Coding change: c.1645C>T on transcript NM_001288705.3 (MANE Select); coding-DNA position 1645, C replaced by T.
Protein change: p.Arg549Cys; replaces arginine 549 with cysteine.
Molecular consequence: missense variant. On other transcripts: non-coding transcript variant (2).
Genome position (GRCh38, 1-based): chr5:150,061,831, G>A on the plus strand (C>T on the coding strand, the complement: CSF1R is on the minus strand). VCF-style: chr5-150061831-G-A. GRCh37 (hg19) VCF-style: chr5-149441394-G-A.
Other names: c.1645C>T, p.Arg549Cys (NM_001349736.2, NM_001375320.1, NM_005211.4); c.1201C>T, p.Arg401Cys (NM_001375321.1); c.1645C>T (NM_005211.3); short protein forms R401C, R549C.
Identifiers: ClinVar variation 1483187 (VCV001483187.10), dbSNP rs370624765, ClinGen allele CA3506747.

ClinVar aggregate classification (germline): Uncertain significance. Review status: criteria provided, multiple submitters, no conflicts (2 of 4 stars). 3 submissions from 3 submitters: Uncertain significance (3). Last evaluated 2024-10-24.

Conditions:
Inborn genetic diseases. Identifiers: MedGen C0950123, MeSH D030342.

Allele frequency attached by ClinVar (database versions not stated): TOPMed 0.00003; gnomAD 0.00004; gnomAD exomes 0.00007 and 0.00008; ExAC 0.00012; ESP Exome Variant Server 0.00015.
gnomAD v4.1: 121 of 1,614,042 alleles (0.0075%); highest among the groups gnomAD compares: Non-Finnish European, 0.0088%; no homozygotes.

Submissions (3):

Labcorp Genetics (formerly Invitae), Labcorp
Classification: Uncertain significance. Last evaluated: 2024-10-24. Review status: criteria provided, single submitter. Criteria: Invitae Variant Classification Sherloc (09022015). Collection method: clinical testing. Allele origin: germline.
Comment: This sequence change replaces arginine, which is basic and polar, with cysteine, which is neutral and slightly polar, at codon 549 of the CSF1R protein (p.Arg549Cys). This variant is present in population databases (rs370624765, gnomAD 0.01%). This variant has not been reported in the literature in individuals affected with CSF1R-related conditions. ClinVar contains an entry for this variant (Variation ID: 1483187). Invitae Evidence Modeling of protein sequence and biophysical properties (such as structural, functional, and spatial information, amino acid conservation, physicochemical variation, residue mobility, and thermodynamic stability) has been performed for this missense variant. However, the output from this modeling did not meet the statistical confidence thresholds required to predict the impact of this variant on CSF1R protein function. In summary, the available evidence is currently insufficient to determine the role of this variant in disease. Therefore, it has been classified as a Variant of Uncertain Significance.

Blueprint Genetics
Classification: Uncertain significance. Last evaluated: 2024-10-07. Review status: criteria provided, single submitter. Criteria: ACMG Guidelines, 2015. Collection method: clinical testing. Allele origin: germline.

Ambry Genetics
Classification: Uncertain significance for Inborn genetic diseases. Last evaluated: 2022-10-11. Review status: criteria provided, single submitter. Criteria: Ambry Variant Classification Scheme 2023. Collection method: clinical testing. Allele origin: germline.